The following is an entry in ClinVar:

NR_003051.4(RMRP):n.113C>G

Gene: RMRP (RNA component of mitochondrial RNA processing endoribonuclease; minus strand). Cytogenetic location: 9p13.3.
Variant type: single nucleotide variant.
Molecular consequence: non-coding transcript variant (on NR_003051.4).
Genome position: GRCh38 VCF-style: chr9-35657907-G-C. GRCh37 (hg19) VCF-style: chr9-35657904-G-C.
Identifiers: ClinVar variation 2631437 (VCV002631437.3), dbSNP rs1479610947, ClinGen allele CA464450776.

ClinVar aggregate classification (germline): Uncertain significance. Review status: criteria provided, single submitter (1 of 4 stars). 2 submissions from 2 submitters: Uncertain significance (1). 1 of the submissions does not count toward it. Last evaluated 2025-12-29.

Conditions:
RMRP-related disorder. Also called: RMRP-related condition.

Allele frequency attached by ClinVar (database versions not stated): gnomAD 0.00001.
gnomAD v4.1: 2 of 699,276 alleles (0.00029%); highest among the groups gnomAD compares: Admixed American, 0.002%; no homozygotes.

Submissions (2):

Center for Genomic Medicine, Rigshospitalet, Copenhagen University Hospital
Classification: Uncertain significance. Last evaluated: 2025-12-29. Review status: criteria provided, single submitter. Criteria: ACMG Guidelines, 2015. Collection method: clinical testing. Allele origin: germline.
Comment: Classification criteria: PM2_Sup (PP4_mod)

PreventionGenetics, part of Exact Sciences
Classification: Uncertain significance for RMRP-related condition. Last evaluated: 2024-08-08. Review status: no assertion criteria provided. Collection method: clinical testing. Allele origin: germline. Not counted in ClinVar's aggregate classification.
Comment: The RMRP n.112C>G is a noncoding alteration. To our knowledge, this variant has not been reported in the literature or in a large population database, indicating this variant is rare. At this time, the clinical significance of this variant is uncertain due to the absence of conclusive functional and genetic evidence.

Literature cited by the submitters: PubMed 17701897 (cited by Center for Genomic Medicine, Rigshospitalet, Copenhagen University Hospital); PubMed 32754152 (cited by Center for Genomic Medicine, Rigshospitalet, Copenhagen University Hospital).